The following is an entry in ClinVar:

NM_001009944.2(PKD1):c.8017_8024delGGGCCCAG

Gene: PKD1 (polycystin 1, transient receptor potential channel interacting; minus strand). Cytogenetic location: 16p13.3.
Variant type: Deletion.
Coding change: c.8017_8024delGGGCCCAG on transcript NM_001009944.2; coding-DNA positions 8017 to 8024, 8 bases deleted (GGGCCCAG).
Genome position (GRCh38, 1-based): chr16:2,104,635-2,104,642, CTGGGCCC deleted on the plus strand (GGGCCCAG on the coding strand, the reverse complement: PKD1 is on the minus strand); deleting any 8 consecutive bases within chr16:2,104,635-2,104,645 gives the same sequence; the c. name uses the placement nearest the transcript's 3' end. VCF-style (leftmost placement, unchanged base first): chr16-2104634-GCTGGGCCC-G. GRCh37 (hg19) VCF-style: chr16-2154635-GCTGGGCCC-G.
Identifiers: ClinVar variation 2506231 (VCV002506231.1), ClinGen allele CA2580612716.

ClinVar aggregate classification (germline): Pathogenic (1 of 4 stars; one submission).

Conditions:
Polycystic kidney disease, adult type (PKD1). Also called: Polycystic Kidney Disease 1, Autosomal Dominant; Polycystic kidney disease 1; Polycystic kidney disease 1, severe; Polycystic Kidney, Autosomal Dominant; POLYCYSTIC KIDNEY DISEASE 1 WITH OR WITHOUT POLYCYSTIC LIVER DISEASE; POLYCYSTIC KIDNEY DISEASE, ADULT, TYPE I. Identifiers: MedGen C3149841, MONDO:0008263, OMIM 173900.

Submission:

Women's Health and Genetics/Laboratory Corporation of America, LabCorp
Classification: Pathogenic for Polycystic kidney disease, adult type. Last evaluated: 2023-05-26. Review status: criteria provided, single submitter. Criteria: LabCorp Variant Classification Summary - May 2015. Collection method: clinical testing. Allele origin: germline.
Comment: Variant summary: PKD1 c.8017_8024delGGGCCCAG (p.Gly2673GlnfsX146) results in a premature termination codon, predicted to cause a truncation of the encoded protein or absence of the protein due to nonsense mediated decay, which are commonly known mechanisms for disease. The variant was absent in 135682 control chromosomes. To our knowledge, no occurrence of c.8017_8024delGGGCCCAG in individuals affected with Polycystic Kidney Disease 1 and no experimental evidence demonstrating its impact on protein function have been reported. No clinical diagnostic laboratories have submitted clinical-significance assessments for this variant to ClinVar after 2014. Based on the evidence outlined above, the variant was classified as pathogenic.